The following is an entry in ClinVar:

NM_000222.3(KIT):c.68-15T>C

Gene: KIT (KIT proto-oncogene, receptor tyrosine kinase; plus strand). Cytogenetic location: 4q12.
Variant type: single nucleotide variant.
Coding change: c.68-15T>C on transcript NM_000222.3 (MANE Select); 15 bases into the intron before coding-DNA position 68, T replaced by C.
Molecular consequence: intron variant.
Genome position (GRCh38, 1-based): chr4:54,695,497, T>C. VCF-style: chr4-54695497-T-C. GRCh37 (hg19) VCF-style: chr4-55561663-T-C.
Other names: c.68-15T>C (NM_001385284.1, NM_001385290.1, NM_001385288.1 and 4 more transcripts).
Identifiers: ClinVar variation 1674239 (VCV001674239.9), dbSNP rs766123990, ClinGen allele CA2923149.

ClinVar aggregate classification (germline): Likely benign. Review status: criteria provided, multiple submitters, no conflicts (2 of 4 stars). 2 submissions from 2 submitters: Likely benign (2). Last evaluated 2026-05-26.

Conditions:
Gastrointestinal stromal tumor. Also called: Gastrointestinal stroma tumor; Gastrointestinal stromal tumor, somatic. Identifiers: Orphanet 44890, MedGen C0238198, MeSH D046152, MONDO:0011719, OMIM 606764, HP:0100723.

Allele frequency attached by ClinVar (database versions not stated): ExAC 0.00001; gnomAD exomes 0.00001.
gnomAD v4.1: 8 of 1,613,950 alleles (0.0005%); highest among the groups gnomAD compares: Middle Eastern, 0.016%; no homozygotes.

Submissions (2):

Myriad Genetics, Inc.
Classification: Likely benign for Gastrointestinal stromal tumor. Last evaluated: 2026-05-26. Review status: criteria provided, single submitter. Criteria: Myriad Autosomal Dominant, Autosomal Recessive and X-Linked Classification Criteria (2023). Collection method: clinical testing. Allele origin: unknown.
Comment: This variant is considered likely benign. This variant is intronic and is not expected to impact mRNA splicing.

Labcorp Genetics (formerly Invitae), Labcorp
Classification: Likely benign for Gastrointestinal stromal tumor. Last evaluated: 2025-11-17. Review status: criteria provided, single submitter. Criteria: Invitae Variant Classification Sherloc (09022015). Collection method: clinical testing. Allele origin: germline.